The following is an entry in ClinVar:

ClinVar aggregate classification (germline): Likely pathogenic. Review status: criteria provided, multiple submitters, no conflicts (2 of 4 stars). 2 submissions from 2 submitters: Likely pathogenic (2). Last evaluated 2026-09-01.

Conditions:
Hypophosphatasia. Also called: Phosphoethanol-aminuria. Identifiers: Orphanet 436, MedGen C0020630, MeSH D007014, MONDO:0018570.

Submissions (2):

Genomenon, Inc
Classification: Likely pathogenic for Hypophosphatasia. Last evaluated: 2026-09-01. Review status: criteria provided, single submitter. Criteria: Genomenon Sequence Variant Interpretation Standards - Updated. Collection method: curation. Allele origin: germline. Affected: yes.
Comment: ALPL p.Thr405Pro (c.1213A>C) is a missense variant that changes the amino acid at codon 405 from Threonine to Proline. This variant has been observed in at least one proband affected with an ALPL-related disorder (PMID:38884565). At least one functional study has demonstrated a substantial alteration in protein function relative to the wild-type (PMID:40386289). It is absent or not present at a significant frequency in gnomAD. In conclusion, we classify ALPL p.Thr405Pro (c.1213A>C) as a likely pathogenic variant.

JKU Lab, Dept of Paediatrics, Johannes Kepler University
Classification: Likely pathogenic for Hypophosphatasia. Last evaluated: 2024-06-11. Review status: criteria provided, single submitter. Criteria: ACMG Guidelines, 2015. Collection method: clinical testing. Allele origin: germline. Affected: yes.
Comment: The variant is absent from GnomAD. The ACMG criteria applied can be looked up in the ALPL gene variant database.

Literature cited by the submitters: PubMed 38884565 (cited by Genomenon, Inc); PubMed 40386289 (cited by Genomenon, Inc); PubMed 33579333 (cited by JKU Lab, Dept of Paediatrics, Johannes Kepler University).

NM_000478.6(ALPL):c.1213A>C (p.Thr405Pro)

Gene: ALPL (alkaline phosphatase, biomineralization associated; plus strand). Cytogenetic location: 1p36.12.
Variant type: single nucleotide variant.
Coding change: c.1213A>C on transcript NM_000478.6 (MANE Select); coding-DNA position 1213, A replaced by C.
Protein change: p.Thr405Pro; replaces threonine 405 with proline.
Molecular consequence: missense variant.
Genome position (GRCh38, 1-based): chr1:21,576,545, A>C. VCF-style: chr1-21576545-A-C. GRCh37 (hg19) VCF-style: chr1-21903038-A-C.
Other names: c.1048A>C, p.Thr350Pro (NM_001127501.4); c.982A>C, p.Thr328Pro (NM_001177520.3); c.1213A>C, p.Thr405Pro (NM_001369803.2, NM_001369804.2, NM_001369805.2); short protein forms T328P, T350P, T405P.
Identifiers: ClinVar variation 3252041 (VCV003252041.3), dbSNP rs2545347156.